The following is an entry in ClinVar:

ClinVar aggregate classification (germline): Uncertain significance (1 of 4 stars; one submission).

gnomAD v4.1: 2 of 1,613,588 alleles (0.00012%); highest among the groups gnomAD compares: Non-Finnish European, 0.00017%; no homozygotes.

Submission:

Ambry Genetics
Classification: Uncertain significance. Last evaluated: 2025-08-20. Review status: criteria provided, single submitter. Criteria: Ambry Variant Classification Scheme 2023. Collection method: clinical testing. Allele origin: germline.
Comment: The p.N385D variant (also known as c.1153A>G), located in coding exon 6 of the PALLD gene, results from an A to G substitution at nucleotide position 1153. The asparagine at codon 385 is replaced by aspartic acid, an amino acid with highly similar properties. This amino acid position is conserved. In addition, this alteration is predicted to be tolerated by in silico analysis. Based on the available evidence, the clinical significance of this variant remains unclear.

NM_001166108.2(PALLD):c.2665A>G (p.Asn889Asp)

Genes: CBR4 (carbonyl reductase 4; minus strand), PALLD (palladin, cytoskeletal associated protein; plus strand). Cytogenetic location: 4q32.3.
Variant type: single nucleotide variant.
Coding change: c.2665A>G on transcript NM_001166108.2 (MANE Select); coding-DNA position 2665, A replaced by G.
Protein change: p.Asn889Asp; replaces asparagine 889 with aspartic acid.
Molecular consequence: missense variant.
Genome position (GRCh38, 1-based): chr4:168,913,969, A>G. VCF-style: chr4-168913969-A-G. GRCh37 (hg19) VCF-style: chr4-169835120-A-G.
Other names: c.1468A>G, p.Asn490Asp (NM_001166109.2); c.1153A>G, p.Asn385Asp (NM_001166110.2); c.493A>G, p.Asn165Asp (NM_001367567.1, NM_001367569.1); c.544A>G, p.Asn182Asp (NM_001367568.1, NM_001367570.1); c.2614A>G, p.Asn872Asp (NM_016081.4); short protein forms N385D, N490D, N165D, N182D, N872D, N889D.
Identifiers: ClinVar variation 4130443 (VCV004130443.1).